The following is an entry in ClinVar:

NM_003072.5(SMARCA4):c.3435C>T (p.Pro1145=)

Gene: SMARCA4 (SWI/SNF related BAF chromatin remodeling complex subunit ATPase 4; plus strand). Cytogenetic location: 19p13.2.
Variant type: single nucleotide variant.
Coding change: c.3435C>T on transcript NM_003072.5 (MANE Select); coding-DNA position 3435, C replaced by T.
Protein change: p.Pro1145=; no amino-acid change (proline 1145 retained).
Molecular consequence: synonymous variant. On other transcripts: non-coding transcript variant (1).
Genome position (GRCh38, 1-based): chr19:11,030,782, C>T. VCF-style: chr19-11030782-C-T. GRCh37 (hg19) VCF-style: chr19-11141458-C-T.
Other names: c.3435C>T, p.Pro1145= (NM_001128844.3, NM_001128845.2, NM_001128846.2 and 5 more transcripts).
Identifiers: ClinVar variation 238427 (VCV000238427.49), dbSNP rs138764713, ClinGen allele CA9204424.

ClinVar aggregate classification (germline): Benign/Likely benign. Review status: criteria provided, multiple submitters, no conflicts (2 of 4 stars). 9 submissions from 9 submitters: Benign (3); Likely benign (4). 2 of the submissions do not count toward it. Last evaluated 2026-09-01.

Conditions:
Hereditary cancer-predisposing syndrome. Also called: Hereditary Cancer Syndrome; Tumor predisposition; Hereditary neoplastic syndrome; Neoplastic Syndromes, Hereditary. Identifiers: Orphanet 140162, MedGen C0027672, MeSH D009386, MONDO:0015356.
Rhabdoid tumor predisposition syndrome 2 (RTPS2). Identifiers: Orphanet 231108, Orphanet 69077, MedGen C2750074, MONDO:0013224, OMIM 613325.

Allele frequency attached by ClinVar (database versions not stated): gnomAD 0.00028 and 0.00025; ExAC 0.00025; ESP Exome Variant Server 0.00008; gnomAD exomes 0.00025; TOPMed 0.00030.
gnomAD v4.1: 747 of 1,610,186 alleles (0.046%); highest among the groups gnomAD compares: Non-Finnish European, 0.061%; no homozygotes.

Submissions (9):

CeGaT Center for Human Genetics Tuebingen
Classification: Likely benign. Last evaluated: 2026-09-01. Review status: criteria provided, single submitter. Criteria: CeGaT Center For Human Genetics Tuebingen Variant Classification Criteria Version 2. Collection method: clinical testing. Allele origin: germline. Affected: yes. Observed: 10 variant alleles.
Comment: SMARCA4: BP4, BP7

Myriad Genetics, Inc.
Classification: Benign for Rhabdoid tumor predisposition syndrome 2. Last evaluated: 2026-07-14. Review status: criteria provided, single submitter. Criteria: Myriad Autosomal Dominant, Autosomal Recessive and X-Linked Classification Criteria (2023). Collection method: clinical testing. Allele origin: unknown.
Comment: This variant is considered benign. This variant is a silent/synonymous amino acid change and it is not expected to impact splicing.

Labcorp Genetics (formerly Invitae), Labcorp
Classification: Likely benign for Rhabdoid tumor predisposition syndrome 2. Last evaluated: 2026-01-31. Review status: criteria provided, single submitter. Criteria: Invitae Variant Classification Sherloc (09022015). Collection method: clinical testing. Allele origin: germline.

Blueprint Genetics
Classification: Benign. Last evaluated: 2024-06-27. Review status: criteria provided, single submitter. Criteria: ACMG Guidelines, 2015. Collection method: clinical testing. Allele origin: germline.

GeneDx
Classification: Likely benign. Last evaluated: 2021-02-03. Review status: criteria provided, single submitter. Criteria: GeneDx Variant Classification Process June 2021. Collection method: clinical testing. Allele origin: germline. Affected: yes.

Sema4
Classification: Benign for Hereditary cancer-predisposing syndrome. Last evaluated: 2020-10-18. Review status: criteria provided, single submitter. Criteria: Sema4 Curation Guidelines. Collection method: curation. Allele origin: germline.

Ambry Genetics
Classification: Likely benign for Hereditary cancer-predisposing syndrome. Last evaluated: 2015-06-19. Review status: criteria provided, single submitter. Criteria: Ambry Variant Classification Scheme 2023. Collection method: clinical testing. Allele origin: germline.

Clinical Genetics DNA and cytogenetics Diagnostics Lab, Erasmus MC, Erasmus Medical Center
Classification: Likely benign. Review status: no assertion criteria provided. Collection method: clinical testing. Allele origin: germline. Affected: yes. Study: VKGL Data-share Consensus. Not counted in ClinVar's aggregate classification.

Genome Diagnostics Laboratory, Amsterdam University Medical Center
Classification: Likely benign. Review status: no assertion criteria provided. Collection method: clinical testing. Allele origin: germline. Affected: yes. Study: VKGL Data-share Consensus. Not counted in ClinVar's aggregate classification.